The following is an entry in ClinVar:

ClinVar aggregate classification (germline): Conflicting classifications of pathogenicity. Review status: criteria provided, conflicting classifications (1 of 4 stars). 3 submissions from 3 submitters: Uncertain significance (1); Likely benign (1). 1 of the submissions does not count toward it. Last evaluated 2026-04-01.

Conditions:
CAPN15-related disorder. Also called: CAPN15-related condition.

Allele frequency attached by ClinVar (database versions not stated): ExAC 0.00008; 1000 Genomes Project 30x 0.00016; gnomAD exomes 0.00019.
gnomAD v4.1: 287 of 1,540,612 alleles (0.019%); highest among the groups gnomAD compares: Admixed American, 0.48%; 2 homozygotes.

Submissions (3):

CeGaT Center for Human Genetics Tuebingen
Classification: Likely benign. Last evaluated: 2026-04-01. Review status: criteria provided, single submitter. Criteria: CeGaT Center For Human Genetics Tuebingen Variant Classification Criteria Version 2. Collection method: clinical testing. Allele origin: germline. Affected: yes. Observed: 1 variant allele.
Comment: CAPN15: BS2

Ambry Genetics
Classification: Uncertain significance. Last evaluated: 2021-10-26. Review status: criteria provided, single submitter. Criteria: Ambry Variant Classification Scheme 2023. Collection method: clinical testing. Allele origin: germline.

PreventionGenetics, part of Exact Sciences
Classification: Benign for CAPN15-related condition. Last evaluated: 2019-10-28. Review status: no assertion criteria provided. Collection method: clinical testing. Allele origin: germline. Not counted in ClinVar's aggregate classification.
Comment: This variant is classified as benign based on ACMG/AMP sequence variant interpretation guidelines (Richards et al. 2015 PMID: 25741868, with internal and published modifications).

NM_005632.3(CAPN15):c.2470G>A (p.Ala824Thr)

Gene: CAPN15 (calpain 15; plus strand). Cytogenetic location: 16p13.3.
Variant type: single nucleotide variant.
Coding change: c.2470G>A on transcript NM_005632.3 (MANE Select); coding-DNA position 2470, G replaced by A.
Protein change: p.Ala824Thr; replaces alanine 824 with threonine.
Molecular consequence: missense variant.
Genome position (GRCh38, 1-based): chr16:552,175, G>A. VCF-style: chr16-552175-G-A. GRCh37 (hg19) VCF-style: chr16-602175-G-A.
Other names: short protein forms A824T.
Identifiers: ClinVar variation 2362470 (VCV002362470.6), dbSNP rs763566668, ClinGen allele CA7778760.